The following is an entry in ClinVar:

NM_203447.4(DOCK8):c.2017A>C (p.Ile673Leu)

Gene: DOCK8 (dedicator of cytokinesis 8; plus strand). Cytogenetic location: 9p24.3.
Variant type: single nucleotide variant.
Coding change: c.2017A>C on transcript NM_203447.4 (MANE Select); coding-DNA position 2017, A replaced by C.
Protein change: p.Ile673Leu; replaces isoleucine 673 with leucine.
Molecular consequence: missense variant.
Genome position (GRCh38, 1-based): chr9:372,194, A>C. VCF-style: chr9-372194-A-C. GRCh37 (hg19) VCF-style: chr9-372194-A-C.
Other names: c.1813A>C, p.Ile605Leu (NM_001190458.2, NM_001193536.2); short protein forms I605L, I673L.
Identifiers: ClinVar variation 3683210 (VCV003683210.2).

ClinVar aggregate classification (germline): Uncertain significance (1 of 4 stars; one submission).

Conditions:
Combined immunodeficiency due to DOCK8 deficiency (HIES2). Also called: Hyper-IgE recurrent infection syndrome, autosomal recessive; HIES autosomal recessive; HYPER-IgE RECURRENT INFECTION SYNDROME 2, AUTOSOMAL RECESSIVE; HYPER-IgE SYNDROME 2, AUTOSOMAL RECESSIVE, WITH RECURRENT INFECTIONS; DOCK8 Deficiency. Identifiers: Orphanet 217390, MedGen C4722305, MONDO:0009478, OMIM 243700.

Submission:

Labcorp Genetics (formerly Invitae), Labcorp
Classification: Uncertain significance for Combined immunodeficiency due to DOCK8 deficiency. Last evaluated: 2024-05-13. Review status: criteria provided, single submitter. Criteria: Invitae Variant Classification Sherloc (09022015). Collection method: clinical testing. Allele origin: germline.
Comment: This sequence change replaces isoleucine, which is neutral and non-polar, with leucine, which is neutral and non-polar, at codon 673 of the DOCK8 protein (p.Ile673Leu). This variant is not present in population databases (gnomAD no frequency). This variant has not been reported in the literature in individuals affected with DOCK8-related conditions. Advanced modeling of protein sequence and biophysical properties (such as structural, functional, and spatial information, amino acid conservation, physicochemical variation, residue mobility, and thermodynamic stability) performed at Invitae indicates that this missense variant is not expected to disrupt DOCK8 protein function with a negative predictive value of 80%. In summary, the available evidence is currently insufficient to determine the role of this variant in disease. Therefore, it has been classified as a Variant of Uncertain Significance.